The following is an entry in ClinVar:

NM_001308093.3(GATA4):c.526GCC[7] (p.Ala177_Ala179dup)

Gene: GATA4 (GATA binding protein 4). Cytogenetic location: 8p23.1.
Variant type: Microsatellite.
Coding change: c.526GCC[7] on transcript NM_001308093.3 (MANE Select); seven copies in a row of the 3-base unit GCC starting at c.526.
Protein change: p.Ala177_Ala179dup.
Molecular consequence: inframe insertion. On other transcripts: intron variant (3).
Genome position: GRCh38 VCF-style: chr8-11708837-A-AGCCGCCGCC. GRCh37 (hg19) VCF-style: chr8-11566346-A-AGCCGCCGCC.
Other names: c.526GCC[7], p.Ala177_Ala179dup (NM_002052.5); c.-6+8060GCC[7] (NM_001308094.2); c.-3+824GCC[7] (NM_001374274.1); c.-3+4534GCC[7] (NM_001374273.1).
Identifiers: ClinVar variation 1020936 (VCV001020936.8), dbSNP rs766802125, ClinGen allele CA1764057659.
Genomic context (GRCh38, chr8:11,708,837, plus strand): 5'-GGGCTCCTACTCCAGCCCCTACCCGGCTTACATGGCCGACGTGGGCGCGTCCTGGGCCGC[A>AGCCGCCGCC]GCCGCCGCCGCCTCCGCCGGCCCCTTCGACAGCCCGGTCCTGCACAGCCTGCCCGGCCGG-3'

ClinVar aggregate classification (germline): Uncertain significance (1 of 4 stars; one submission).

Conditions:
Atrioventricular septal defect 4 (AVSD4). Identifiers: MedGen C3280781, MONDO:0013747, OMIM 614430.

Allele frequency attached by ClinVar (database versions not stated): ExAC 0.00071.

Submission:

Labcorp Genetics (formerly Invitae), Labcorp
Classification: Uncertain significance for Atrioventricular septal defect 4. Last evaluated: 2025-11-11. Review status: criteria provided, single submitter. Criteria: Invitae Variant Classification Sherloc (09022015). Collection method: clinical testing. Allele origin: germline.
Comment: This variant, c.529_537dup, results in the insertion of 3 amino acid(s) of the GATA4 protein (p.Ala177_Ala179dup), but otherwise preserves the integrity of the reading frame. This variant is not present in population databases (gnomAD no frequency). This variant has not been reported in the literature in individuals affected with GATA4-related conditions. Experimental studies and prediction algorithms are not available or were not evaluated, and the functional significance of this variant is currently unknown. In summary, the available evidence is currently insufficient to determine the role of this variant in disease. Therefore, it has been classified as a Variant of Uncertain Significance.